The following is an entry in ClinVar:

NM_033159.4(HYAL1):c.10C>T (p.His4Tyr)

Gene: HYAL1 (hyaluronidase 1; minus strand). Cytogenetic location: 3p21.31.
Variant type: single nucleotide variant.
Coding change: c.10C>T on transcript NM_033159.4 (MANE Select); coding-DNA position 10, C replaced by T.
Protein change: p.His4Tyr; replaces histidine 4 with tyrosine.
Molecular consequence: missense variant. On other transcripts: non-coding transcript variant (1), intron variant (2).
Genome position (GRCh38, 1-based): chr3:50,302,947, G>A on the plus strand (C>T on the coding strand, the complement: HYAL1 is on the minus strand). VCF-style: chr3-50302947-G-A. GRCh37 (hg19) VCF-style: chr3-50340378-G-A.
Other names: c.10C>T, p.His4Tyr (NM_007312.3, NM_153281.2, NM_153282.3); c.-27+519C>T (NM_153285.3); c.-213-324C>T (NM_153283.3); c.10C>T (NM_153281.1); short protein forms H4Y.
Identifiers: ClinVar variation 1959996 (VCV001959996.3), dbSNP rs1702232507, ClinGen allele CA352898279.

ClinVar aggregate classification (germline): Uncertain significance. Review status: criteria provided, multiple submitters, no conflicts (2 of 4 stars). 2 submissions from 2 submitters: Uncertain significance (2). Last evaluated 2025-05-26.

Conditions:
Deficiency of hyaluronoglucosaminidase (MPS9). Also called: Mucopolysaccharidosis type 9; MPS IX; HYALURONIDASE DEFICIENCY. Identifiers: Orphanet 67041, MedGen C1291490, MONDO:0011093, OMIM 601492.

Allele frequency attached by ClinVar (database versions not stated): gnomAD exomes below 0.00001; TOPMed 0.00001.
gnomAD v4.1: 1 of 1,568,066 alleles (0.000064%); highest among the groups gnomAD compares: Admixed American, 0.0018%; no homozygotes.

Submissions (2):

Ambry Genetics
Classification: Uncertain significance. Last evaluated: 2025-05-26. Review status: criteria provided, single submitter. Criteria: Ambry Variant Classification Scheme 2023. Collection method: clinical testing. Allele origin: germline.

Labcorp Genetics (formerly Invitae), Labcorp
Classification: Uncertain significance for Deficiency of hyaluronoglucosaminidase. Last evaluated: 2022-10-18. Review status: criteria provided, single submitter. Criteria: Invitae Variant Classification Sherloc (09022015). Collection method: clinical testing. Allele origin: germline.
Comment: This sequence change replaces histidine, which is basic and polar, with tyrosine, which is neutral and polar, at codon 4 of the HYAL1 protein (p.His4Tyr). This variant is not present in population databases (gnomAD no frequency). This variant has not been reported in the literature in individuals affected with HYAL1-related conditions. Algorithms developed to predict the effect of missense changes on protein structure and function are either unavailable or do not agree on the potential impact of this missense change (SIFT: "Tolerated"; PolyPhen-2: "Possibly Damaging"; Align-GVGD: "Class C0"). In summary, the available evidence is currently insufficient to determine the role of this variant in disease. Therefore, it has been classified as a Variant of Uncertain Significance.